The following is an entry in ClinVar:

ClinVar aggregate classification (germline): Uncertain significance (1 of 4 stars; one submission).

Submission:

Labcorp Genetics (formerly Invitae), Labcorp
Classification: Uncertain significance. Last evaluated: 2024-11-19. Review status: criteria provided, single submitter. Criteria: Invitae Variant Classification Sherloc (09022015). Collection method: clinical testing. Allele origin: germline.
Comment: This sequence change replaces proline, which is neutral and non-polar, with serine, which is neutral and polar, at codon 1514 of the MYO7A protein (p.Pro1514Ser). This variant is not present in population databases (gnomAD no frequency). This variant has not been reported in the literature in individuals affected with MYO7A-related conditions. Invitae Evidence Modeling of protein sequence and biophysical properties (such as structural, functional, and spatial information, amino acid conservation, physicochemical variation, residue mobility, and thermodynamic stability) indicates that this missense variant is not expected to disrupt MYO7A protein function with a negative predictive value of 95%. In summary, the available evidence is currently insufficient to determine the role of this variant in disease. Therefore, it has been classified as a Variant of Uncertain Significance.

NM_000260.4(MYO7A):c.4540C>T (p.Pro1514Ser)

Gene: MYO7A (myosin VIIA; plus strand). Cytogenetic location: 11q13.5.
Variant type: single nucleotide variant.
Coding change: c.4540C>T on transcript NM_000260.4 (MANE Select); coding-DNA position 4540, C replaced by T.
Protein change: p.Pro1514Ser; replaces proline 1514 with serine.
Molecular consequence: missense variant.
Genome position (GRCh38, 1-based): chr11:77,198,593, C>T. VCF-style: chr11-77198593-C-T. GRCh37 (hg19) VCF-style: chr11-76909638-C-T.
Other names: c.4540C>T, p.Pro1514Ser (NM_001127180.2); c.4507C>T, p.Pro1503Ser (NM_001369365.1); short protein forms P1514S, P1503S.
Identifiers: ClinVar variation 3634269 (VCV003634269.2).